The following is an entry in ClinVar:

ClinVar aggregate classification (germline): Pathogenic (1 of 4 stars; one submission).

gnomAD v4.1: 6 of 1,614,006 alleles (0.00037%); highest among the groups gnomAD compares: Admixed American, 0.0033%; no homozygotes.

Submission:

Labcorp Genetics (formerly Invitae), Labcorp
Classification: Pathogenic. Last evaluated: 2026-01-06. Review status: criteria provided, single submitter. Criteria: Invitae Variant Classification Sherloc (09022015). Collection method: clinical testing. Allele origin: germline.
Comment: This sequence change creates a premature translational stop signal (p.Lys541*) in the LARS gene. It is expected to result in an absent or disrupted protein product. Loss-of-function variants in LARS are known to be pathogenic (PMID: 32699352, 33300650). This variant is present in population databases (rs780077906, gnomAD 0.003%). This variant has not been reported in the literature in individuals affected with LARS-related conditions. Algorithms developed to predict the effect of sequence changes on RNA splicing suggest that this variant may disrupt the consensus splice site. For these reasons, this variant has been classified as Pathogenic.

Literature cited by the submitters: PubMed 32699352; PubMed 33300650.

NM_020117.11(LARS1):c.1621A>T (p.Lys541Ter)

Gene: LARS1 (leucyl-tRNA synthetase 1; minus strand). Cytogenetic location: 5q32.
Variant type: single nucleotide variant.
Coding change: c.1621A>T on transcript NM_020117.11 (MANE Select); coding-DNA position 1621, A replaced by T.
Protein change: p.Lys541Ter; replaces lysine 541 with a stop codon.
Molecular consequence: nonsense.
Genome position (GRCh38, 1-based): chr5:146,144,506, T>A on the plus strand (A>T on the coding strand, the complement: LARS1 is on the minus strand). VCF-style: chr5-146144506-T-A. GRCh37 (hg19) VCF-style: chr5-145524069-T-A.
Other names: c.1483A>T, p.Lys495Ter (NM_001317964.2); c.1459A>T, p.Lys487Ter (NM_001317965.2); c.1540A>T, p.Lys514Ter (NM_016460.4); short protein forms K514*, K487*, K495*, K541*.
Identifiers: ClinVar variation 4738075 (VCV004738075.1).